The following is an entry in ClinVar:

NM_002427.4(MMP13):c.232G>A (p.Glu78Lys)

Genes: MMP13 (matrix metallopeptidase 13; minus strand), LOC126861318 (BRD4-independent group 4 enhancer GRCh37_chr11:102825894-102827093; plus strand). Cytogenetic location: 11q22.2.
Variant type: single nucleotide variant.
Coding change: c.232G>A on transcript NM_002427.4 (MANE Select); coding-DNA position 232, G replaced by A.
Protein change: p.Glu78Lys; replaces glutamic acid 78 with lysine.
Molecular consequence: missense variant.
Genome position (GRCh38, 1-based): chr11:102,955,382, C>T on the plus strand (G>A on the coding strand, the complement: MMP13 is on the minus strand). VCF-style: chr11-102955382-C-T. GRCh37 (hg19) VCF-style: chr11-102826111-C-T.
Other names: short protein forms E78K.
Identifiers: ClinVar variation 1718547 (VCV001718547.6), dbSNP rs2496470097, ClinGen allele CA382232727.

ClinVar aggregate classification (germline): Uncertain significance (1 of 4 stars; one submission).

Submission:

Labcorp Genetics (formerly Invitae), Labcorp
Classification: Uncertain significance. Last evaluated: 2025-02-17. Review status: criteria provided, single submitter. Criteria: Invitae Variant Classification Sherloc (09022015). Collection method: clinical testing. Allele origin: germline.
Comment: This sequence change replaces glutamic acid, which is acidic and polar, with lysine, which is basic and polar, at codon 78 of the MMP13 protein (p.Glu78Lys). This variant is not present in population databases (gnomAD no frequency). This variant has not been reported in the literature in individuals affected with MMP13-related conditions. ClinVar contains an entry for this variant (Variation ID: 1718547). Invitae Evidence Modeling of protein sequence and biophysical properties (such as structural, functional, and spatial information, amino acid conservation, physicochemical variation, residue mobility, and thermodynamic stability) indicates that this missense variant is not expected to disrupt MMP13 protein function with a negative predictive value of 80%. Algorithms developed to predict the effect of sequence changes on RNA splicing suggest that this variant may create or strengthen a splice site. In summary, the available evidence is currently insufficient to determine the role of this variant in disease. Therefore, it has been classified as a Variant of Uncertain Significance.